The following is an entry in ClinVar:

NM_015602.4(TOR1AIP1):c.197T>A (p.Val66Glu)

Genes: TOR1AIP1 (torsin 1A interacting protein 1; plus strand), LOC112577517 (Sharpr-MPRA regulatory region 13766; plus strand). Cytogenetic location: 1q25.2.
Variant type: single nucleotide variant.
Coding change: c.197T>A on transcript NM_015602.4 (MANE Select); coding-DNA position 197, T replaced by A.
Protein change: p.Val66Glu; replaces valine 66 with glutamic acid.
Molecular consequence: missense variant.
Genome position (GRCh38, 1-based): chr1:179,882,699, T>A. VCF-style: chr1-179882699-T-A. GRCh37 (hg19) VCF-style: chr1-179851834-T-A.
Other names: c.197T>A, p.Val66Glu (NM_001267578.2); short protein forms V66E.
Identifiers: ClinVar variation 1051654 (VCV001051654.5), dbSNP rs759389044, ClinGen allele CA343577819.

ClinVar aggregate classification (germline): Uncertain significance (1 of 4 stars; one submission).

Conditions:
Autosomal recessive limb-girdle muscular dystrophy type 2Y (MRRSDC). Also called: Muscular dystrophy, limb-girdle, type 2y; Muscular dystrophy, autosomal recessive, with rigid spine and distal joint contractures. Identifiers: Orphanet 424261, MedGen C4511482, MONDO:0014900, OMIM 617072.

Submission:

Labcorp Genetics (formerly Invitae), Labcorp
Classification: Uncertain significance for Autosomal recessive limb-girdle muscular dystrophy type 2Y. Last evaluated: 2022-07-05. Review status: criteria provided, single submitter. Criteria: Invitae Variant Classification Sherloc (09022015). Collection method: clinical testing. Allele origin: germline.
Comment: This sequence change replaces valine, which is neutral and non-polar, with glutamic acid, which is acidic and polar, at codon 66 of the TOR1AIP1 protein (p.Val66Glu). This variant is not present in population databases (gnomAD no frequency). In summary, the available evidence is currently insufficient to determine the role of this variant in disease. Therefore, it has been classified as a Variant of Uncertain Significance. Algorithms developed to predict the effect of missense changes on protein structure and function are either unavailable or do not agree on the potential impact of this missense change (SIFT: "Deleterious"; PolyPhen-2: "Probably Damaging"; Align-GVGD: "Class C0"). ClinVar contains an entry for this variant (Variation ID: 1051654). This variant has not been reported in the literature in individuals affected with TOR1AIP1-related conditions.